The following is an entry in ClinVar:

NM_015466.4(PTPN23):c.2104G>A (p.Ala702Thr)

Gene: PTPN23 (protein tyrosine phosphatase non-receptor type 23; plus strand). Cytogenetic location: 3p21.31.
Variant type: single nucleotide variant.
Coding change: c.2104G>A on transcript NM_015466.4 (MANE Select); coding-DNA position 2104, G replaced by A.
Protein change: p.Ala702Thr; replaces alanine 702 with threonine.
Molecular consequence: missense variant.
Genome position (GRCh38, 1-based): chr3:47,409,809, G>A. VCF-style: chr3-47409809-G-A. GRCh37 (hg19) VCF-style: chr3-47451299-G-A.
Other names: c.1726G>A, p.Ala576Thr (NM_001304482.2); short protein forms A576T, A702T.
Identifiers: ClinVar variation 1447597 (VCV001447597.5), dbSNP rs202234682, ClinGen allele CA2365912.

ClinVar aggregate classification (germline): Conflicting classifications of pathogenicity. Review status: criteria provided, conflicting classifications (1 of 4 stars). 3 submissions from 3 submitters: Uncertain significance (2); Likely benign (1). Last evaluated 2026-07-01.

Allele frequency attached by ClinVar (database versions not stated): gnomAD exomes 0.00008; ExAC 0.00010; gnomAD 0.00011; TOPMed 0.00011; ESP Exome Variant Server 0.00031.

Submissions (3):

CeGaT Center for Human Genetics Tuebingen
Classification: Likely benign. Last evaluated: 2026-07-01. Review status: criteria provided, single submitter. Criteria: CeGaT Center For Human Genetics Tuebingen Variant Classification Criteria Version 2. Collection method: clinical testing. Allele origin: germline. Affected: yes. Observed: 1 variant allele.
Comment: PTPN23: BP4

Blueprint Genetics
Classification: Uncertain significance. Last evaluated: 2024-11-21. Review status: criteria provided, single submitter. Criteria: ACMG Guidelines, 2015. Collection method: clinical testing. Allele origin: germline.

Labcorp Genetics (formerly Invitae), Labcorp
Classification: Uncertain significance. Last evaluated: 2022-05-26. Review status: criteria provided, single submitter. Criteria: Invitae Variant Classification Sherloc (09022015). Collection method: clinical testing. Allele origin: germline.
Comment: This sequence change replaces alanine, which is neutral and non-polar, with threonine, which is neutral and polar, at codon 702 of the PTPN23 protein (p.Ala702Thr). This variant is present in population databases (rs202234682, gnomAD 0.01%). This variant has not been reported in the literature in individuals affected with PTPN23-related conditions. Algorithms developed to predict the effect of missense changes on protein structure and function are either unavailable or do not agree on the potential impact of this missense change (SIFT: "Tolerated"; PolyPhen-2: "Not Available"; Align-GVGD: "Class C0"). In summary, the available evidence is currently insufficient to determine the role of this variant in disease. Therefore, it has been classified as a Variant of Uncertain Significance.